The following is an entry in ClinVar:

NM_006445.4(PRPF8):c.1098+6G>C

Gene: PRPF8 (pre-mRNA processing factor 8; minus strand). Cytogenetic location: 17p13.3.
Variant type: single nucleotide variant.
Coding change: c.1098+6G>C on transcript NM_006445.4 (MANE Select); 6 bases into the intron after coding-DNA position 1098, G replaced by C.
Molecular consequence: intron variant.
Genome position (GRCh38, 1-based): chr17:1,680,720, C>G on the plus strand (G>C on the coding strand, the complement: PRPF8 is on the minus strand). VCF-style: chr17-1680720-C-G. GRCh37 (hg19) VCF-style: chr17-1584014-C-G.
Identifiers: ClinVar variation 4724192 (VCV004724192.1).

ClinVar aggregate classification (germline): Uncertain significance (1 of 4 stars; one submission).

Submission:

Labcorp Genetics (formerly Invitae), Labcorp
Classification: Uncertain significance. Last evaluated: 2025-08-03. Review status: criteria provided, single submitter. Criteria: Invitae Variant Classification Sherloc (09022015). Collection method: clinical testing. Allele origin: germline.
Comment: This sequence change falls in intron 8 of the PRPF8 gene. It does not directly change the encoded amino acid sequence of the PRPF8 protein. It affects a nucleotide within the consensus splice site. This variant is not present in population databases (gnomAD no frequency). This variant has not been reported in the literature in individuals affected with PRPF8-related conditions. Variants that disrupt the consensus splice site are a relatively common cause of aberrant splicing (PMID: 17576681, 9536098). Algorithms developed to predict the effect of sequence changes on RNA splicing suggest that this variant is not likely to affect RNA splicing. In summary, the available evidence is currently insufficient to determine the role of this variant in disease. Therefore, it has been classified as a Variant of Uncertain Significance.

Literature cited by the submitters: PubMed 17576681; PubMed 9536098.